The following is an entry in ClinVar:

ClinVar aggregate classification (germline): Uncertain significance. Review status: criteria provided, multiple submitters, no conflicts (2 of 4 stars). 2 submissions from 2 submitters: Uncertain significance (2). Last evaluated 2024-03-03.

Conditions:
Hereditary cancer-predisposing syndrome. Also called: Hereditary neoplastic syndrome; Neoplastic Syndromes, Hereditary; Hereditary Cancer Syndrome; Tumor predisposition. Identifiers: Orphanet 140162, MedGen C0027672, MeSH D009386, MONDO:0015356.
Gastrointestinal stromal tumor. Also called: Gastrointestinal stromal tumor, somatic; Gastrointestinal stroma tumor. Identifiers: Orphanet 44890, MedGen C0238198, MeSH D046152, MONDO:0011719, OMIM 606764, HP:0100723.

Allele frequency attached by ClinVar (database versions not stated): gnomAD 0.00001.
gnomAD v4.1: 1 of 1,613,660 alleles (0.000062%); highest among the groups gnomAD compares: African/African-American, 0.0013%; no homozygotes.

Submissions (2):

Ambry Genetics
Classification: Uncertain significance for Hereditary cancer-predisposing syndrome. Last evaluated: 2024-03-03. Review status: criteria provided, single submitter. Criteria: Ambry Variant Classification Scheme 2023. Collection method: clinical testing. Allele origin: germline.
Comment: The p.N457Y variant (also known as c.1369A>T), located in coding exon 9 of the PDGFRA gene, results from an A to T substitution at nucleotide position 1369. The asparagine at codon 457 is replaced by tyrosine, an amino acid with dissimilar properties. This amino acid position is conserved. In addition, the in silico prediction for this alteration is inconclusive. Since supporting evidence is limited at this time, the clinical significance of this alteration remains unclear.

Labcorp Genetics (formerly Invitae), Labcorp
Classification: Uncertain significance for Gastrointestinal stromal tumor. Last evaluated: 2022-02-18. Review status: criteria provided, single submitter. Criteria: Invitae Variant Classification Sherloc (09022015). Collection method: clinical testing. Allele origin: germline.
Comment: This sequence change replaces asparagine, which is neutral and polar, with tyrosine, which is neutral and polar, at codon 457 of the PDGFRA protein (p.Asn457Tyr). In summary, the available evidence is currently insufficient to determine the role of this variant in disease. Therefore, it has been classified as a Variant of Uncertain Significance. Algorithms developed to predict the effect of missense changes on protein structure and function are either unavailable or do not agree on the potential impact of this missense change (SIFT: "Deleterious"; PolyPhen-2: "Possibly Damaging"; Align-GVGD: "Class C0"). ClinVar contains an entry for this variant (Variation ID: 940908). This variant has not been reported in the literature in individuals affected with PDGFRA-related conditions. This variant is present in population databases (no rsID available, gnomAD 0.01%).

NM_006206.6(PDGFRA):c.1369A>T (p.Asn457Tyr)

Gene: PDGFRA (platelet derived growth factor receptor alpha; plus strand). Cytogenetic location: 4q12.
Variant type: single nucleotide variant.
Coding change: c.1369A>T on transcript NM_006206.6 (MANE Select); coding-DNA position 1369, A replaced by T.
Protein change: p.Asn457Tyr; replaces asparagine 457 with tyrosine.
Molecular consequence: missense variant.
Genome position (GRCh38, 1-based): chr4:54,273,541, A>T. VCF-style: chr4-54273541-A-T. GRCh37 (hg19) VCF-style: chr4-55139708-A-T.
Other names: c.1369A>T, p.Asn457Tyr (NM_001347827.2, NM_001347829.2); c.1444A>T, p.Asn482Tyr (NM_001347828.2); c.1408A>T, p.Asn470Tyr (NM_001347830.2); short protein forms N457Y, N482Y, N470Y.
Identifiers: ClinVar variation 940908 (VCV000940908.10), dbSNP rs1294435524, ClinGen allele CA356892422.